The following is an entry in ClinVar:

NM_181882.3(PRX):c.2278G>A (p.Val760Met)

Gene: PRX (periaxin; minus strand). Cytogenetic location: 19q13.2.
Variant type: single nucleotide variant.
Coding change: c.2278G>A on transcript NM_181882.3 (MANE Select); coding-DNA position 2278, G replaced by A.
Protein change: p.Val760Met; replaces valine 760 with methionine.
Molecular consequence: missense variant. On other transcripts: 3 prime UTR variant (1).
Genome position (GRCh38, 1-based): chr19:40,396,074, C>T on the plus strand (G>A on the coding strand, the complement: PRX is on the minus strand). VCF-style: chr19-40396074-C-T. GRCh37 (hg19) VCF-style: chr19-40901981-C-T.
Other names: c.*2483G>A (NM_020956.2); short protein forms V760M.
Identifiers: ClinVar variation 430168 (VCV000430168.10), dbSNP rs548905150, ClinGen allele CA9444088.

ClinVar aggregate classification (germline): Uncertain significance. Review status: criteria provided, multiple submitters, no conflicts (2 of 4 stars). 5 submissions from 5 submitters: Uncertain significance (5). Last evaluated 2025-11-11.

Conditions:
PRX-related disorder. Also called: PRX-Related Disorders; PRX-related condition.
Inborn genetic diseases. Identifiers: MedGen C0950123, MeSH D030342.
Charcot-Marie-Tooth disease type 4. Also called: Charcot-Marie-Tooth disease, type IV; Charcot-Marie-Tooth, Type 4. Identifiers: Orphanet 64749, MedGen C4082197, MONDO:0018995.

Allele frequency attached by ClinVar (database versions not stated): gnomAD exomes 0.00001; ExAC 0.00002; gnomAD 0.00015 and 0.00017; 1000 Genomes Project 30x 0.00016; 1000 Genomes Project 0.00020; TOPMed 0.00023.

Submissions (5):

PreventionGenetics, part of Exact Sciences
Classification: Uncertain significance for PRX-related condition. Last evaluated: 2025-11-11. Review status: criteria provided, single submitter. Criteria: ACMG Guidelines, 2015. Collection method: clinical testing. Allele origin: germline.
Comment: The PRX c.2278G>A variant is predicted to result in the amino acid substitution p.Val760Met. To our knowledge, this variant has not been reported in the literature. This variant is reported in 0.0058% of alleles in individuals of Latino descent in gnomAD. At this time, the clinical significance of this variant is uncertain due to the absence of conclusive functional and genetic evidence.

GeneDx
Classification: Uncertain significance. Last evaluated: 2025-05-27. Review status: criteria provided, single submitter. Criteria: GeneDx Variant Classification Process June 2021. Collection method: clinical testing. Allele origin: germline. Affected: yes.
Comment: Not observed at significant frequency in large population cohorts (gnomAD); In silico analysis suggests that this missense variant does not alter protein structure/function; Has not been previously published as pathogenic or benign to our knowledge

Ambry Genetics
Classification: Uncertain significance for Inborn genetic diseases. Last evaluated: 2023-11-03. Review status: criteria provided, single submitter. Criteria: Ambry Variant Classification Scheme 2023. Collection method: clinical testing. Allele origin: germline.

Labcorp Genetics (formerly Invitae), Labcorp
Classification: Uncertain significance for Charcot-Marie-Tooth disease type 4. Last evaluated: 2022-07-19. Review status: criteria provided, single submitter. Criteria: Invitae Variant Classification Sherloc (09022015). Collection method: clinical testing. Allele origin: germline.
Comment: This sequence change replaces valine, which is neutral and non-polar, with methionine, which is neutral and non-polar, at codon 760 of the PRX protein (p.Val760Met). This variant is present in population databases (rs548905150, gnomAD 0.003%). This variant has not been reported in the literature in individuals affected with PRX-related conditions. ClinVar contains an entry for this variant (Variation ID: 430168). Algorithms developed to predict the effect of missense changes on protein structure and function output the following: SIFT: "Deleterious"; PolyPhen-2: "Benign"; Align-GVGD: "Class C0". The methionine amino acid residue is found in multiple mammalian species, which suggests that this missense change does not adversely affect protein function. In summary, the available evidence is currently insufficient to determine the role of this variant in disease. Therefore, it has been classified as a Variant of Uncertain Significance.

Breakthrough Genomics
Classification: Uncertain significance. Review status: criteria provided, single submitter. Criteria: ACMG Guidelines, 2015. Collection method: not provided. Allele origin: germline. Inheritance: Autosomal dominant inheritance. Affected: yes.